The following is an entry in ClinVar:

NM_174936.4(PCSK9):c.1937G>A (p.Gly646Glu)

Gene: PCSK9 (proprotein convertase subtilisin/kexin type 9; plus strand). Cytogenetic location: 1p32.3.
Variant type: single nucleotide variant.
Coding change: c.1937G>A on transcript NM_174936.4 (MANE Select); coding-DNA position 1937, G replaced by A.
Protein change: p.Gly646Glu; replaces glycine 646 with glutamic acid.
Molecular consequence: missense variant. On other transcripts: non-coding transcript variant (8).
Genome position (GRCh38, 1-based): chr1:55,063,442, G>A. VCF-style: chr1-55063442-G-A. GRCh37 (hg19) VCF-style: chr1-55529115-G-A.
Other names: c.2060G>A, p.Gly687Glu (NM_001407240.1); c.1979G>A, p.Gly660Glu (NM_001407241.1); c.1940G>A, p.Gly647Glu (NM_001407242.1); c.1880G>A, p.Gly627Glu (NM_001407243.1); c.1763G>A, p.Gly588Glu (NM_001407244.1); c.1745G>A, p.Gly582Glu (NM_001407245.1); c.1562G>A, p.Gly521Glu (NM_001407246.1); c.1436G>A, p.Gly479Glu (NM_001407247.1); short protein forms G479E, G521E, G582E, G588E, G627E, G646E, G647E, G660E.
Identifiers: ClinVar variation 3072914 (VCV003072914.2), dbSNP rs1644777670, ClinGen allele CA340480690.

ClinVar aggregate classification (germline): Uncertain significance. Review status: criteria provided, multiple submitters, no conflicts (2 of 4 stars). 2 submissions from 2 submitters: Uncertain significance (2). Last evaluated 2026-04-16.

Conditions:
Hypercholesterolemia, autosomal dominant, 3 (FHCL3). Also called: Familial Hypercholesterolemia, Autosomal Dominant, 3; PCSK9-Related Familial Hypercholesterolemia, Autosomal Dominant; Familial hypercholesterolemia 3. Identifiers: MedGen C1863551, MONDO:0011369, OMIM 603776.

Allele frequency attached by ClinVar (database versions not stated): gnomAD 0.00001.
gnomAD v4.1: 1 of 1,613,956 alleles (0.000062%); highest among the groups gnomAD compares: Non-Finnish European, 0.000085%; no homozygotes.

Submissions (2):

GeneDx
Classification: Uncertain significance. Last evaluated: 2026-04-16. Review status: criteria provided, single submitter. Criteria: GeneDx Variant Classification Process June 2021. Collection method: clinical testing. Allele origin: germline.
Comment: Not observed at significant frequency in large population cohorts (gnomAD); In silico analysis supports that this missense variant has a deleterious effect on protein structure/function; Has not been previously published as pathogenic or benign to our knowledge

All of Us Research Program, National Institutes of Health
Classification: Uncertain significance for Hypercholesterolemia, autosomal dominant, 3. Last evaluated: 2023-08-15. Review status: criteria provided, single submitter. Criteria: ACMG Guidelines, 2015. Collection method: clinical testing. Allele origin: germline. Inheritance: Autosomal dominant inheritance. Observed: 1 variant allele, 1 heterozygote.
Comment: This missense variant replaces glycine with glutamic acid at codon 646 of the PCSK9 protein. Computational prediction is inconclusive regarding the impact of this variant on protein structure and function (internally defined REVEL score threshold 0.5 < inconclusive < 0.7, PMID: 27666373). To our knowledge, functional studies have not been reported for this variant. This variant has not been reported in individuals affected with PCSK9-related disorders in the literature. This variant has not been identified in the general population by the Genome Aggregation Database (gnomAD). The available evidence is insufficient to determine the role of this variant in disease conclusively. Therefore, this variant is classified as a Variant of Uncertain Significance.

This study involves interpretation of variants in research participants for the purpose of population health screening. Participant phenotype was not available at the time of variant classification. Additional details can be found in publication PMID: 35346344, PMCID: PMC8962531